The following is an entry in ClinVar:

ClinVar aggregate classification (germline): Uncertain significance (1 of 4 stars; one submission).

Allele frequency attached by ClinVar (database versions not stated): gnomAD exomes below 0.00001.

Submission:

Labcorp Genetics (formerly Invitae), Labcorp
Classification: Uncertain significance. Last evaluated: 2021-12-18. Review status: criteria provided, single submitter. Criteria: Invitae Variant Classification Sherloc (09022015). Collection method: clinical testing. Allele origin: germline.
Comment: In summary, the available evidence is currently insufficient to determine the role of this variant in disease. Therefore, it has been classified as a Variant of Uncertain Significance. Algorithms developed to predict the effect of missense changes on protein structure and function are either unavailable or do not agree on the potential impact of this missense change (SIFT: "Tolerated"; PolyPhen-2: "Possibly Damaging"; Align-GVGD: "Class C0"). This variant has not been reported in the literature in individuals affected with ESPN-related conditions. This variant is present in population databases (no rsID available, gnomAD 0.0009%). This sequence change replaces glutamic acid, which is acidic and polar, with lysine, which is basic and polar, at codon 803 of the ESPN protein (p.Glu803Lys).

NM_031475.3(ESPN):c.2407G>A (p.Glu803Lys)

Gene: ESPN (espin; plus strand). Cytogenetic location: 1p36.31.
Variant type: single nucleotide variant.
Coding change: c.2407G>A on transcript NM_031475.3 (MANE Select); coding-DNA position 2407, G replaced by A.
Protein change: p.Glu803Lys; replaces glutamic acid 803 with lysine.
Molecular consequence: missense variant.
Genome position (GRCh38, 1-based): chr1:6,457,362, G>A. VCF-style: chr1-6457362-G-A. GRCh37 (hg19) VCF-style: chr1-6517422-G-A.
Other names: c.2317G>A, p.Glu773Lys (NM_001367473.1); c.2344G>A, p.Glu782Lys (NM_001367474.1); short protein forms E782K, E803K, E773K.
Identifiers: ClinVar variation 2201296 (VCV002201296.4), dbSNP rs1237304225, ClinGen allele CA338102274.
Genomic context (GRCh38, chr1:6,457,362, plus strand): 5'-GTCTTGACTGCGTCCCTGAGGTGGAGGTACCAAGTGACACTGTCTCTTTTTCCTTCCAGG[G>A]AGCAGAAGCGGTGAGTGCAGGGCTGGCCCCAACCTGCCACCCTTATCCCCACCCAAGTCG-3'
Protein context (NP_113663.2, residues 793-813): LLRKKLEEER[Glu803Lys]QKRKEEERQK